The following is an entry in ClinVar:

ClinVar aggregate classification (germline): Uncertain significance (1 of 4 stars; one submission).

Submission:

Labcorp Genetics (formerly Invitae), Labcorp
Classification: Uncertain significance. Last evaluated: 2023-08-08. Review status: criteria provided, single submitter. Criteria: Invitae Variant Classification Sherloc (09022015). Collection method: clinical testing. Allele origin: germline.
Comment: This sequence change replaces phenylalanine, which is neutral and non-polar, with leucine, which is neutral and non-polar, at codon 12 of the OPN1SW protein (p.Phe12Leu). This variant is not present in population databases (gnomAD no frequency). This variant has not been reported in the literature in individuals affected with OPN1SW-related conditions. An algorithm developed to predict the effect of missense changes on protein structure and function (PolyPhen-2) suggests that this variant is likely to be tolerated. In summary, the available evidence is currently insufficient to determine the role of this variant in disease. Therefore, it has been classified as a Variant of Uncertain Significance.

NM_001385125.1(OPN1SW):c.27C>G (p.Phe9Leu)

Gene: OPN1SW (opsin 1, short wave sensitive; minus strand). Cytogenetic location: 7q32.1.
Variant type: single nucleotide variant.
Coding change: c.27C>G on transcript NM_001385125.1 (MANE Select); coding-DNA position 27, C replaced by G.
Protein change: p.Phe9Leu; replaces phenylalanine 9 with leucine.
Molecular consequence: missense variant.
Genome position (GRCh38, 1-based): chr7:128,775,755, G>C on the plus strand (C>G on the coding strand, the complement: OPN1SW is on the minus strand). VCF-style: chr7-128775755-G-C. GRCh37 (hg19) VCF-style: chr7-128415809-G-C.
Other names: short protein forms F9L.
Identifiers: ClinVar variation 2805593 (VCV002805593.3), dbSNP rs2536293700, ClinGen allele CA369223068.